The following is an entry in ClinVar:

NM_014927.5(CNKSR2):c.1749G>A (p.Ala583=)

Gene: CNKSR2 (connector enhancer of kinase suppressor of Ras 2; plus strand). Cytogenetic location: Xp22.12.
Variant type: single nucleotide variant.
Coding change: c.1749G>A on transcript NM_014927.5 (MANE Select); coding-DNA position 1749, G replaced by A.
Protein change: p.Ala583=; no amino-acid change (alanine 583 retained).
Molecular consequence: synonymous variant.
Genome position (GRCh38, 1-based): chrX:21,591,113, G>A. VCF-style: chrX-21591113-G-A. GRCh37 (hg19) VCF-style: chrX-21609231-G-A.
Other names: c.1659G>A, p.Ala553= (NM_001168647.3, NM_001330773.2); c.1749G>A, p.Ala583= (NM_001168648.3); c.1602G>A, p.Ala534= (NM_001168649.3, NM_001330770.2); c.1512G>A, p.Ala504= (NM_001330771.2, NM_001330772.2).
Identifiers: ClinVar variation 3025182 (VCV003025182.22), dbSNP rs1045082064, ClinGen allele CA327424588.

ClinVar aggregate classification (germline): Likely benign (1 of 4 stars; one submission).

Allele frequency attached by ClinVar (database versions not stated): gnomAD exomes below 0.00001.
gnomAD v4.1: 8 of 1,206,676 alleles (0.00066%); highest among the groups gnomAD compares: Middle Eastern, 0.023%; no homozygotes.

Submission:

CeGaT Center for Human Genetics Tuebingen
Classification: Likely benign. Last evaluated: 2024-02-01. Review status: criteria provided, single submitter. Criteria: CeGaT Center For Human Genetics Tuebingen Variant Classification Criteria Version 2. Collection method: clinical testing. Allele origin: germline. Affected: yes. Observed: 1 variant allele.
Comment: CNKSR2: BP4, BP7